The following is an entry in ClinVar:

NM_004565.3(PEX14):c.286T>G (p.Ser96Ala)

Gene: PEX14 (peroxisomal biogenesis factor 14; plus strand). Cytogenetic location: 1p36.22.
Variant type: single nucleotide variant.
Coding change: c.286T>G on transcript NM_004565.3 (MANE Select); coding-DNA position 286, T replaced by G.
Protein change: p.Ser96Ala; replaces serine 96 with alanine.
Molecular consequence: missense variant.
Genome position (GRCh38, 1-based): chr1:10,599,354, T>G. VCF-style: chr1-10599354-T-G. GRCh37 (hg19) VCF-style: chr1-10659411-T-G.
Other names: short protein forms S96A.
Identifiers: ClinVar variation 1056065 (VCV001056065.8), dbSNP rs2124602826, ClinGen allele CA338690531.
Genomic context (GRCh38, chr1:10,599,354, plus strand): 5'-GAGCCTTCGTCCTTGGGCCCAGCCACACAGGTGGTTCCTGTCCAGCCCCCTCACCTCATA[T>G]CTCAGCCATACAGTAAGTCACCCGCTCAAACTCCTGCTTAACCTTGATTGGGATTCAGGA-3'
Protein context (NP_004556.1, residues 86-106): VVPVQPPHLI[Ser96Ala]QPYSPAGSRW

ClinVar aggregate classification (germline): Uncertain significance (1 of 4 stars; one submission).

Conditions:
Peroxisome biogenesis disorder, complementation group K (CGK). Identifiers: MedGen C1866257, MONDO:0800365.

Submission:

Labcorp Genetics (formerly Invitae), Labcorp
Classification: Uncertain significance for Peroxisome biogenesis disorder, complementation group K. Last evaluated: 2022-07-06. Review status: criteria provided, single submitter. Criteria: Invitae Variant Classification Sherloc (09022015). Collection method: clinical testing. Allele origin: germline.
Comment: In summary, the available evidence is currently insufficient to determine the role of this variant in disease. Therefore, it has been classified as a Variant of Uncertain Significance. Algorithms developed to predict the effect of sequence changes on RNA splicing suggest that this variant may create or strengthen a splice site. Algorithms developed to predict the effect of missense changes on protein structure and function output the following: SIFT: "Tolerated"; PolyPhen-2: "Benign"; Align-GVGD: "Class C0". The alanine amino acid residue is found in multiple mammalian species, which suggests that this missense change does not adversely affect protein function. ClinVar contains an entry for this variant (Variation ID: 1056065). This variant has not been reported in the literature in individuals affected with PEX14-related conditions. This variant is not present in population databases (gnomAD no frequency). This sequence change replaces serine, which is neutral and polar, with alanine, which is neutral and non-polar, at codon 96 of the PEX14 protein (p.Ser96Ala).